The following is an entry in ClinVar:

NM_003906.5(MCM3AP):c.4058G>A (p.Gly1353Glu)

Gene: MCM3AP (minichromosome maintenance complex component 3 associated protein; minus strand). Cytogenetic location: 21q22.3.
Variant type: single nucleotide variant.
Coding change: c.4058G>A on transcript NM_003906.5 (MANE Select); coding-DNA position 4058, G replaced by A.
Protein change: p.Gly1353Glu; replaces glycine 1353 with glutamic acid.
Molecular consequence: missense variant.
Genome position (GRCh38, 1-based): chr21:46,254,470, C>T on the plus strand (G>A on the coding strand, the complement: MCM3AP is on the minus strand). VCF-style: chr21-46254470-C-T. GRCh37 (hg19) VCF-style: chr21-47674384-C-T.
Other names: short protein forms G1353E.
Identifiers: ClinVar variation 1374947 (VCV001374947.5), dbSNP rs760835875, ClinGen allele CA10076259.

ClinVar aggregate classification (germline): Uncertain significance (1 of 4 stars; one submission).

Allele frequency attached by ClinVar (database versions not stated): gnomAD exomes below 0.00001 and 0.00001; ExAC 0.00001.
gnomAD v4.1: 15 of 1,614,124 alleles (0.00093%); highest among the groups gnomAD compares: Non-Finnish European, 0.0011%; no homozygotes.

Submission:

Labcorp Genetics (formerly Invitae), Labcorp
Classification: Uncertain significance. Last evaluated: 2021-09-24. Review status: criteria provided, single submitter. Criteria: Invitae Variant Classification Sherloc (09022015). Collection method: clinical testing. Allele origin: germline.
Comment: This sequence change replaces glycine with glutamic acid at codon 1353 of the MCM3AP protein (p.Gly1353Glu). The glycine residue is weakly conserved and there is a moderate physicochemical difference between glycine and glutamic acid. This variant is present in population databases (rs760835875, ExAC 0.001%). This variant has not been reported in the literature in individuals with MCM3AP-related conditions. Algorithms developed to predict the effect of missense changes on protein structure and function output the following: SIFT: "Tolerated"; PolyPhen-2: "Benign"; Align-GVGD: "Class C0". The glutamic acid amino acid residue is found in multiple mammalian species, suggesting that this missense change does not adversely affect protein function. These predictions have not been confirmed by published functional studies and their clinical significance is uncertain. In summary, the available evidence is currently insufficient to determine the role of this variant in disease. Therefore, it has been classified as a Variant of Uncertain Significance.